The following is an entry in ClinVar:

NM_003737.4(DCHS1):c.6421C>T (p.Arg2141Ter)

Gene: DCHS1 (dachsous cadherin-related 1; minus strand). Cytogenetic location: 11p15.4.
Variant type: single nucleotide variant.
Coding change: c.6421C>T on transcript NM_003737.4 (MANE Select); coding-DNA position 6421, C replaced by T.
Protein change: p.Arg2141Ter; replaces arginine 2141 with a stop codon.
Molecular consequence: nonsense.
Genome position (GRCh38, 1-based): chr11:6,626,324, G>A on the plus strand (C>T on the coding strand, the complement: DCHS1 is on the minus strand). VCF-style: chr11-6626324-G-A. GRCh37 (hg19) VCF-style: chr11-6647555-G-A.
Other names: short protein forms R2141*.
Identifiers: ClinVar variation 3343938 (VCV003343938.4).

ClinVar aggregate classification (germline): Pathogenic/Likely pathogenic. Review status: criteria provided, multiple submitters, no conflicts (2 of 4 stars). 3 submissions from 3 submitters: Pathogenic (2); Likely pathogenic (1). Last evaluated 2024-06-27.

gnomAD v4.1: 2 of 1,613,518 alleles (0.00012%); highest among the groups gnomAD compares: South Asian, 0.0011%; no homozygotes.

Submissions (3):

Labcorp Genetics (formerly Invitae), Labcorp
Classification: Pathogenic. Last evaluated: 2024-06-27. Review status: criteria provided, single submitter. Criteria: Invitae Variant Classification Sherloc (09022015). Collection method: clinical testing. Allele origin: germline.
Comment: This sequence change creates a premature translational stop signal (p.Arg2141*) in the DCHS1 gene. It is expected to result in an absent or disrupted protein product. Loss-of-function variants in DCHS1 are known to be pathogenic (PMID: 24056717, 26258302). This variant is not present in population databases (gnomAD no frequency). This variant has not been reported in the literature in individuals affected with DCHS1-related conditions. For these reasons, this variant has been classified as Pathogenic.

Revvity Omics, Revvity
Classification: Likely pathogenic. Last evaluated: 2024-02-19. Review status: criteria provided, single submitter. Criteria: ACMG Guidelines, 2015. Collection method: clinical testing. Allele origin: germline.

GeneDx
Classification: Pathogenic. Last evaluated: 2023-09-21. Review status: criteria provided, single submitter. Criteria: GeneDx Variant Classification Process June 2021. Collection method: clinical testing. Allele origin: germline. Affected: yes.
Comment: Nonsense variant predicted to result in protein truncation or nonsense mediated decay in a gene for which loss of function is a known mechanism of disease; Not observed at significant frequency in large population cohorts (gnomAD); Identified in the heterozygous state in an individual with a cardiac anomaly (PMID: 33100332); This variant is associated with the following publications: (PMID: 33100332)

Literature cited by the submitters: PubMed 24056717 (cited by Labcorp Genetics (formerly Invitae), Labcorp); PubMed 26258302 (cited by Labcorp Genetics (formerly Invitae), Labcorp).